The following is an entry in ClinVar:

NM_001421.4(ELF4):c.440C>T (p.Ala147Val)

Gene: ELF4 (E74 like ETS transcription factor 4; minus strand). Cytogenetic location: Xq26.1.
Variant type: single nucleotide variant.
Coding change: c.440C>T on transcript NM_001421.4 (MANE Select); coding-DNA position 440, C replaced by T.
Protein change: p.Ala147Val; replaces alanine 147 with valine.
Molecular consequence: missense variant.
Genome position (GRCh38, 1-based): chrX:130,072,318, G>A on the plus strand (C>T on the coding strand, the complement: ELF4 is on the minus strand). VCF-style: chrX-130072318-G-A. GRCh37 (hg19) VCF-style: chrX-129206293-G-A.
Other names: NC_000023.10:g.129206293G>A; c.440C>T, p.Ala147Val (NM_001127197.2); short protein forms A147V.
Identifiers: ClinVar variation 736824 (VCV000736824.8), dbSNP rs150084985, ClinGen allele CA10515112.
Genomic context (GRCh38, chrX:130,072,318, plus strand): 5'-CTTTCCTCTCTGGAGGCCTTCTCCTCCAGAGAATGCCCCTCCTGGTCACTAGTGTCACCC[G>A]CCCTGTTCAGGGCATCGGGCTCAGAGGCAGGAAACAGGTAGTTGGGCAGAGTGACAGCTG-3'
Protein context (NP_001412.1, residues 137-157): PASEPDALNR[Ala147Val]GDTSDQEGHS

ClinVar aggregate classification (germline): Benign/Likely benign. Review status: criteria provided, multiple submitters, no conflicts (2 of 4 stars). 4 submissions from 4 submitters: Benign (2); Likely benign (2). Last evaluated 2025-12-15.

Conditions:
ELF4-related disorder. Also called: ELF4-related condition.

Allele frequency attached by ClinVar (database versions not stated): gnomAD exomes 0.00038; ExAC 0.00048; 1000 Genomes Project 0.00132; TOPMed 0.00137; gnomAD 0.00141 and 0.00149; ESP Exome Variant Server 0.00161; 1000 Genomes Project 30x 0.00166.

Submissions (5):

Women's Health and Genetics/Laboratory Corporation of America, LabCorp
Classification: Likely benign. Last evaluated: 2025-12-15. Review status: criteria provided, single submitter. Criteria: LabCorp Variant Classification Summary - May 2015. Collection method: clinical testing. Allele origin: germline.
Comment: Variant summary: ELF4 c.440C>T (p.Ala147Val) results in a non-conservative amino acid change in the encoded protein sequence. Algorithms developed to predict the effect of missense changes on protein structure and function are either unavailable or do not agree on the potential impact of this missense change. The variant allele was found at a frequency of 0.00038 in 183475 control chromosomes, predominantly at a frequency of 0.0047 within the African or African-American subpopulation in the gnomAD database. The observed variant frequency within African or African-American control individuals in the gnomAD database exceeds the estimated maximal expected allele frequency for disease-causing variants in ELF4. To our knowledge, no occurrence of c.440C>T in individuals affected with ELF4-related conditions and no experimental evidence demonstrating its impact on protein function have been reported. ClinVar contains an entry for this variant (Variation ID: 736824). Based on the evidence outlined above, the variant was classified as likely benign.

PreventionGenetics, part of Exact Sciences
Classification: Likely benign for ELF4-related condition. Last evaluated: 2025-05-02. Review status: criteria provided, single submitter. Criteria: ACMG Guidelines, 2015. Collection method: clinical testing. Allele origin: germline.
Comment: This variant is classified as likely benign based on ACMG/AMP sequence variant interpretation guidelines (Richards et al. 2015 PMID: 25741868, with internal and published modifications).

Labcorp Genetics (formerly Invitae), Labcorp
Classification: Benign. Last evaluated: 2019-12-31. Review status: criteria provided, single submitter. Criteria: Invitae Variant Classification Sherloc (09022015). Collection method: clinical testing. Allele origin: germline.

Breakthrough Genomics
Classification: Benign. Review status: criteria provided, single submitter. Criteria: ACMG Guidelines, 2015. Collection method: not provided. Allele origin: germline. Inheritance: X-linked inheritance. Affected: yes.

Dr. Peter K. Rogan Lab, Western University
No classification provided (evidence only). Condition: Thyroid cancer, nonmedullary, 1. Review status: no classification provided. Collection method: in vitro. Allele origin: not applicable. Functional consequence: retained intron. Not counted in ClinVar's aggregate classification.